The following is an entry in ClinVar:

NM_000080.4(CHRNE):c.703ATC[1] (p.Ile236del)

Genes: C17orf107 (chromosome 17 open reading frame 107; plus strand), CHRNE (cholinergic receptor nicotinic epsilon subunit; minus strand). Cytogenetic location: 17p13.2.
Variant type: Microsatellite.
Coding change: c.703ATC[1] on transcript NM_000080.4 (MANE Select); one copy of the 3-base unit ATC starting at c.703; the reference has two copies in a row; one copy, 3 bases deleted.
Protein change: p.Ile236del; deletes isoleucine 236.
Molecular consequence: inframe deletion. On other transcripts: 3 prime UTR variant (1).
Genome position (GRCh38, 1-based): chr17:4,901,084-4,901,086, GAT deleted on the plus strand (ATC on the coding strand, the reverse complement: CHRNE is on the minus strand); deleting any 3 consecutive bases within chr17:4,901,084-4,901,091 gives the same sequence; the position shown is the placement nearest the transcript's 3' end. VCF-style (leftmost placement, unchanged base first): chr17-4901083-GGAT-G. GRCh37 (hg19) VCF-style: chr17-4804378-GGAT-G.
Other names: c.*553TGA[1] (NM_001145536.2); short protein forms I236del.
Identifiers: ClinVar variation 1683421 (VCV001683421.2), dbSNP rs2151097320, ClinGen allele CA2576135838.

ClinVar aggregate classification (germline): Uncertain significance. Review status: criteria provided, multiple submitters, no conflicts (2 of 4 stars). 2 submissions from 2 submitters: Uncertain significance (2). Last evaluated 2026-01-06.

Conditions:
Congenital myasthenic syndrome 4A. Also called: MYASTHENIC SYNDROME, CONGENITAL, 4A, SLOW-CHANNEL, AUTOSOMAL RECESSIVE; Myasthenic syndrome, congenital, 4a, slow-channel; CONGENITAL MYASTHENIC SYNDROME TYPE Ia1. Identifiers: Orphanet 590, MedGen C4225413, MONDO:0011600, OMIM 605809.

Submissions (2):

Labcorp Genetics (formerly Invitae), Labcorp
Classification: Uncertain significance for Congenital myasthenic syndrome 4A. Last evaluated: 2026-01-06. Review status: criteria provided, single submitter. Criteria: Invitae Variant Classification Sherloc (09022015). Collection method: clinical testing. Allele origin: germline.
Comment: This variant, c.706_708del, results in the deletion of 1 amino acid(s) of the CHRNE protein (p.Ile236del), but otherwise preserves the integrity of the reading frame. This variant is not present in population databases (gnomAD no frequency). This variant has been observed in individual(s) with clinical features of congenital myasthenic syndrome (PMID: 22678886; internal data). Experimental studies and prediction algorithms are not available or were not evaluated, and the functional significance of this variant is currently unknown. In summary, the available evidence is currently insufficient to determine the role of this variant in disease. Therefore, it has been classified as a Variant of Uncertain Significance.

Women's Health and Genetics/Laboratory Corporation of America, LabCorp
Classification: Uncertain significance. Last evaluated: 2022-04-19. Review status: criteria provided, single submitter. Criteria: LabCorp Variant Classification Summary - May 2015. Collection method: clinical testing. Allele origin: germline.
Comment: Variant summary: CHRNE c.706_708delATC (p.Ile236del) results in an in-frame deletion that is predicted to remove one amino acid from the encoded protein. The variant was absent in 249970 control chromosomes. The available data on variant occurrences in the general population are insufficient to allow any conclusion about variant significance. To our knowledge, no occurrence of c.706_708delATC in individuals affected with Congenital Myasthenic Syndrome and no experimental evidence demonstrating its impact on protein function have been reported. No clinical diagnostic laboratories have submitted clinical-significance assessments for this variant to ClinVar after 2014. Based on the evidence outlined above, the variant was classified as uncertain significance.

Literature cited by the submitters: PubMed 22678886 (cited by Labcorp Genetics (formerly Invitae), Labcorp).